The following is an entry in ClinVar:

NM_001244008.2(KIF1A):c.1082A>T (p.Asn361Ile)

Gene: KIF1A (kinesin family member 1A; minus strand). Cytogenetic location: 2q37.3.
Variant type: single nucleotide variant.
Coding change: c.1082A>T on transcript NM_001244008.2 (MANE Select); coding-DNA position 1082, A replaced by T.
Protein change: p.Asn361Ile; replaces asparagine 361 with isoleucine.
Molecular consequence: missense variant.
Genome position (GRCh38, 1-based): chr2:240,773,212, T>A on the plus strand (A>T on the coding strand, the complement: KIF1A is on the minus strand). VCF-style: chr2-240773212-T-A. GRCh37 (hg19) VCF-style: chr2-241712629-T-A.
Other names: c.1082A>T, p.Asn361Ile (NM_001320705.2, NM_001330289.2, NM_001330290.2 and 20 more transcripts); short protein forms N361I.
Identifiers: ClinVar variation 1052430 (VCV001052430.9), dbSNP rs1575603705, ClinGen allele CA351295669.

ClinVar aggregate classification (germline): Uncertain significance (1 of 4 stars; one submission).

Conditions:
Neuropathy, hereditary sensory, type 2C. Also called: Hereditary sensory and autonomic neuropathy type IIC; KIF1A-Related HSAN2 (HSAN2C). Identifiers: Orphanet 970, MedGen C3280168, MONDO:0013634, OMIM 614213.
Intellectual disability, autosomal dominant 9 (NESCAVS). Also called: KIF1A-Related Neurodevelopmental Disorder; NESCAV SYNDROME. Identifiers: Orphanet 662367, MedGen C5393830, MONDO:0013656, OMIM 614255.
Hereditary spastic paraplegia 30. Identifiers: Orphanet 101010, MedGen C5235139, MONDO:0012476.

Allele frequency attached by ClinVar (database versions not stated): TOPMed below 0.00001.
gnomAD v4.1: 3 of 1,613,980 alleles (0.00019%); highest among the groups gnomAD compares: Non-Finnish European, 0.00025%; no homozygotes.

Submission:

Labcorp Genetics (formerly Invitae), Labcorp
Classification: Uncertain significance for Hereditary spastic paraplegia 30; Neuropathy, hereditary sensory, type 2C; Intellectual disability, autosomal dominant 9. Last evaluated: 2024-08-06. Review status: criteria provided, single submitter. Criteria: Invitae Variant Classification Sherloc (09022015). Collection method: clinical testing. Allele origin: germline.
Comment: This sequence change replaces asparagine, which is neutral and polar, with isoleucine, which is neutral and non-polar, at codon 361 of the KIF1A protein (p.Asn361Ile). This variant is not present in population databases (gnomAD no frequency). This variant has not been reported in the literature in individuals affected with KIF1A-related conditions. ClinVar contains an entry for this variant (Variation ID: 1052430). Advanced modeling of protein sequence and biophysical properties (such as structural, functional, and spatial information, amino acid conservation, physicochemical variation, residue mobility, and thermodynamic stability) performed at Invitae indicates that this missense variant is expected to disrupt KIF1A protein function with a positive predictive value of 95%. In summary, the available evidence is currently insufficient to determine the role of this variant in disease. Therefore, it has been classified as a Variant of Uncertain Significance.